The following is an entry in ClinVar:

ClinVar aggregate classification (germline): Conflicting classifications of pathogenicity. Review status: criteria provided, conflicting classifications (1 of 4 stars). 3 submissions from 3 submitters: Pathogenic (1); Uncertain significance (2). Last evaluated 2025-09-25.

Conditions:
Marfan syndrome (MFS). Also called: MARFAN SYNDROME, TYPE I; Marfan syndrome type 1; Marfan's syndrome; FBN1-Related Marfan Syndrome; Marfan syndrome, classic. Identifiers: Orphanet 284963, Orphanet 558, MedGen C0024796, MONDO:0007947, OMIM 154700.
Familial thoracic aortic aneurysm and aortic dissection (TAAD). Also called: Thoracic aortic aneurysms and dissections. Identifiers: Orphanet 91387, MedGen C4707243, MONDO:0019625.
Thoracic aortic aneurysm or dissection.

Submissions (3):

NHS Central & South Genomic Laboratory Hub
Classification: Pathogenic for Thoracic aortic aneurysm or dissection. Last evaluated: 2025-09-25. Review status: criteria provided, single submitter. Criteria: ACMG Guidelines, 2015. Collection method: clinical testing. Allele origin: germline. Affected: yes.

Department of Human Genetics, Hannover Medical School
Classification: Uncertain significance for Marfan syndrome. Last evaluated: 2025-01-16. Review status: criteria provided, single submitter. Criteria: ACMG Guidelines, 2015. Collection method: clinical testing. Allele origin: germline. Affected: yes.
Comment: ClinGen VCEP: PM2_Supporting

Labcorp Genetics (formerly Invitae), Labcorp
Classification: Uncertain significance for Marfan syndrome; Familial thoracic aortic aneurysm and aortic dissection. Last evaluated: 2024-12-15. Review status: criteria provided, single submitter. Criteria: Invitae Variant Classification Sherloc (09022015). Collection method: clinical testing. Allele origin: germline.
Comment: This sequence change falls in intron 17 of the FBN1 gene. It does not directly change the encoded amino acid sequence of the FBN1 protein. It affects a nucleotide within the consensus splice site. This variant is not present in population databases (gnomAD no frequency). This variant has been observed in individuals with clinical features of Marfan syndrome (PMID: 17657824; internal data). Variants that disrupt the consensus splice site are a relatively common cause of aberrant splicing (PMID: 17576681, 9536098). Algorithms developed to predict the effect of sequence changes on RNA splicing suggest that this variant may disrupt the consensus splice site. In summary, the available evidence is currently insufficient to determine the role of this variant in disease. Therefore, it has been classified as a Variant of Uncertain Significance.

Literature cited by the submitters: PubMed 17657824 (cited by Labcorp Genetics (formerly Invitae), Labcorp); PubMed 17576681 (cited by Labcorp Genetics (formerly Invitae), Labcorp); PubMed 9536098 (cited by Labcorp Genetics (formerly Invitae), Labcorp).

NM_000138.5(FBN1):c.2113+3A>G

Gene: FBN1 (fibrillin 1; minus strand). Cytogenetic location: 15q21.1.
Variant type: single nucleotide variant.
Coding change: c.2113+3A>G on transcript NM_000138.5 (MANE Select); 3 bases into the intron after coding-DNA position 2113, A replaced by G.
Molecular consequence: intron variant.
Genome position (GRCh38, 1-based): chr15:48,503,784, T>C on the plus strand (A>G on the coding strand, the complement: FBN1 is on the minus strand). VCF-style: chr15-48503784-T-C. GRCh37 (hg19) VCF-style: chr15-48795981-T-C.
Other names: c.2113+3A>G (NM_001406716.1).
Identifiers: ClinVar variation 3572868 (VCV003572868.4).